The following is an entry in ClinVar:

NM_000245.4(MET):c.594C>T (p.Gly198=)

Gene: MET (MET proto-oncogene, receptor tyrosine kinase; plus strand). Cytogenetic location: 7q31.2.
Variant type: single nucleotide variant.
Coding change: c.594C>T on transcript NM_000245.4 (MANE Select); coding-DNA position 594, C replaced by T.
Protein change: p.Gly198=; no amino-acid change (glycine 198 retained).
Molecular consequence: synonymous variant. On other transcripts: intron variant (1).
Genome position (GRCh38, 1-based): chr7:116,699,678, C>T. VCF-style: chr7-116699678-C-T. GRCh37 (hg19) VCF-style: chr7-116339732-C-T.
Other names: c.594C>T, p.Gly198= (NM_001127500.3, NM_001324401.3); c.-91+27101C>T (NM_001324402.2).
Identifiers: ClinVar variation 843932 (VCV000843932.13), dbSNP rs549459978, ClinGen allele CA164888636.

ClinVar aggregate classification (germline): Benign/Likely benign. Review status: criteria provided, multiple submitters, no conflicts (2 of 4 stars). 3 submissions from 3 submitters: Benign (1); Likely benign (2). Last evaluated 2024-11-06.

Conditions:
Renal cell carcinoma. Identifiers: Orphanet 217071, MedGen C0007134, MeSH D002292, MONDO:0005086, HP:0005584.
Hereditary cancer-predisposing syndrome. Also called: Hereditary Cancer Syndrome; Hereditary neoplastic syndrome; Tumor predisposition; Neoplastic Syndromes, Hereditary. Identifiers: Orphanet 140162, MedGen C0027672, MeSH D009386, MONDO:0015356.
Papillary renal cell carcinoma type 1 (RCCP1). Also called: RENAL CELL CARCINOMA, PAPILLARY, 1, SOMATIC; Renal adenocarcinoma; Renal cell carcinoma 1; Renal cell carcinoma, somatic. Identifiers: Orphanet 47044, MedGen C1336839, OMIM 605074, HP:0011797.

Allele frequency attached by ClinVar (database versions not stated): gnomAD 0.00001; 1000 Genomes Project 30x 0.00016; 1000 Genomes Project 0.00020.
gnomAD v4.1: 1 of 1,613,996 alleles (0.000062%); highest among the groups gnomAD compares: East Asian, 0.0022%; no homozygotes.

Submissions (3):

Myriad Genetics, Inc.
Classification: Benign for Papillary renal cell carcinoma type 1. Last evaluated: 2024-11-06. Review status: criteria provided, single submitter. Criteria: Myriad Autosomal Dominant, Autosomal Recessive and X-Linked Classification Criteria (2023). Collection method: clinical testing. Allele origin: unknown.
Comment: This variant is considered benign. This variant is a silent/synonymous amino acid change and it is not expected to impact splicing.

Labcorp Genetics (formerly Invitae), Labcorp
Classification: Likely benign for Renal cell carcinoma. Last evaluated: 2024-07-30. Review status: criteria provided, single submitter. Criteria: Invitae Variant Classification Sherloc (09022015). Collection method: clinical testing. Allele origin: germline.

Ambry Genetics
Classification: Likely benign for Hereditary cancer-predisposing syndrome. Last evaluated: 2022-04-22. Review status: criteria provided, single submitter. Criteria: Ambry Variant Classification Scheme 2023. Collection method: clinical testing. Allele origin: germline.